The following is an entry in ClinVar:

ClinVar aggregate classification (germline): Conflicting classifications of pathogenicity. Review status: criteria provided, conflicting classifications (1 of 4 stars). 6 submissions from 6 submitters: Uncertain significance (5); Likely benign (1). Last evaluated 2026-01-17.

Conditions:
Hereditary cancer-predisposing syndrome. Also called: Hereditary Cancer Syndrome; Neoplastic Syndromes, Hereditary; Hereditary neoplastic syndrome; Tumor predisposition. Identifiers: Orphanet 140162, MedGen C0027672, MeSH D009386, MONDO:0015356.
Lynch syndrome. Identifiers: Orphanet 144, MedGen C4552100, MONDO:0005835. Disease mechanism: loss of function.
Hereditary nonpolyposis colorectal neoplasms. Identifiers: MedGen C0009405, MeSH D003123.

Allele frequency attached by ClinVar (database versions not stated): gnomAD exomes below 0.00001 and 0.00001.
gnomAD v4.1: 8 of 1,613,560 alleles (0.0005%); highest among the groups gnomAD compares: Non-Finnish European, 0.00068%; no homozygotes.

Submissions (6):

Labcorp Genetics (formerly Invitae), Labcorp
Classification: Likely benign for Hereditary nonpolyposis colorectal neoplasms. Last evaluated: 2026-01-17. Review status: criteria provided, single submitter. Criteria: Invitae Variant Classification Sherloc (09022015). Collection method: clinical testing. Allele origin: germline.

All of Us Research Program, National Institutes of Health
Classification: Uncertain significance for Lynch syndrome. Last evaluated: 2024-06-09. Review status: criteria provided, single submitter. Criteria: ACMG Guidelines, 2015. Collection method: clinical testing. Allele origin: germline. Inheritance: Autosomal dominant inheritance. Observed: 5 variant alleles, 5 heterozygotes.
Comment: This missense variant replaces lysine with threonine at codon 852 of the MSH6 protein. Computational prediction suggests that this variant may have deleterious impact on protein structure and function (internally defined REVEL score threshold >= 0.7, PMID: 27666373). To our knowledge, functional studies have not been reported for this variant. This variant has not been reported in individuals affected with MSH6-related disorders in the literature. This variant has been identified in 1/249204 chromosomes in the general population by the Genome Aggregation Database (gnomAD). The available evidence is insufficient to determine the role of this variant in disease conclusively. Therefore, this variant is classified as a Variant of Uncertain Significance.

This study involves interpretation of variants in research participants for the purpose of population health screening. Participant phenotype was not available at the time of variant classification. Additional details can be found in publication PMID: 35346344, PMCID: PMC8962531

Ambry Genetics
Classification: Uncertain significance for Hereditary cancer-predisposing syndrome. Last evaluated: 2024-03-21. Review status: criteria provided, single submitter. Criteria: Ambry Variant Classification Scheme 2023. Collection method: clinical testing. Allele origin: germline.
Comment: The p.K852T variant (also known as c.2555A>C), located in coding exon 4 of the MSH6 gene, results from an A to C substitution at nucleotide position 2555. The lysine at codon 852 is replaced by threonine, an amino acid with similar properties. This amino acid position is highly conserved in available vertebrate species. In addition, this alteration is predicted to be deleterious by in silico analysis. Since supporting evidence is limited at this time, the clinical significance of this alteration remains unclear.

Color Diagnostics, LLC DBA Color Health
Classification: Uncertain significance for Hereditary cancer-predisposing syndrome. Last evaluated: 2024-03-06. Review status: criteria provided, single submitter. Criteria: ACMG Guidelines, 2015. Collection method: clinical testing. Allele origin: germline.
Comment: This missense variant replaces lysine with threonine at codon 852 of the MSH6 protein. Computational prediction suggests that this variant may have deleterious impact on protein structure and function (internally defined REVEL score threshold >= 0.7, PMID: 27666373). To our knowledge, functional studies have not been reported for this variant. This variant has not been reported in individuals affected with MSH6-related disorders in the literature. This variant has been identified in 1/249204 chromosomes in the general population by the Genome Aggregation Database (gnomAD). The available evidence is insufficient to determine the role of this variant in disease conclusively. Therefore, this variant is classified as a Variant of Uncertain Significance.

GeneDx
Classification: Uncertain significance. Last evaluated: 2023-11-29. Review status: criteria provided, single submitter. Criteria: GeneDx Variant Classification Process June 2021. Collection method: clinical testing. Allele origin: germline. Affected: yes.
Comment: Not observed at a significant frequency in large population cohorts (gnomAD); In silico analysis supports that this missense variant has a deleterious effect on protein structure/function; Has not been previously published as pathogenic or benign to our knowledge; This variant is associated with the following publications: (PMID: 17531815, 21120944)

Quest Diagnostics Nichols Institute San Juan Capistrano
Classification: Uncertain significance. Last evaluated: 2017-11-08. Review status: criteria provided, single submitter. Criteria: Quest Diagnostics criteria. Collection method: clinical testing. Allele origin: germline.

NM_000179.3(MSH6):c.2555A>C (p.Lys852Thr)

Gene: MSH6 (mutS homolog 6; plus strand). Cytogenetic location: 2p16.3.
Variant type: single nucleotide variant.
Coding change: c.2555A>C on transcript NM_000179.3 (MANE Select); coding-DNA position 2555, A replaced by C.
Protein change: p.Lys852Thr; replaces lysine 852 with threonine.
Molecular consequence: missense variant.
Genome position (GRCh38, 1-based): chr2:47,800,538, A>C. VCF-style: chr2-47800538-A-C. GRCh37 (hg19) VCF-style: chr2-48027677-A-C.
Other names: c.2165A>C, p.Lys722Thr (NM_001281492.2); c.1649A>C, p.Lys550Thr (NM_001281493.2, NM_001281494.2); short protein forms K852T, K722T, K550T.
Identifiers: ClinVar variation 428435 (VCV000428435.25), dbSNP rs1114167796, ClinGen allele CA346754603.